The following is an entry in ClinVar:

NM_000038.6(APC):c.7171_7173del (p.Ile2391del)

Gene: APC (APC regulator of Wnt signaling pathway; plus strand). Cytogenetic location: 5q22.2.
Variant type: Deletion.
Coding change: c.7171_7173del on transcript NM_000038.6 (MANE Select); coding-DNA positions 7171 to 7173, 3 bases deleted (ATT; older notation c.7171_7173delATT).
Protein change: p.Ile2391del; deletes isoleucine 2391.
Molecular consequence: inframe deletion.
Genome position (GRCh38, 1-based): chr5:112,842,765-112,842,767, ATT deleted; deleting any 3 consecutive bases within chr5:112,842,764-112,842,767 gives the same sequence; the c. name uses the placement nearest the transcript's 3' end. VCF-style (leftmost placement, unchanged base first): chr5-112842763-GTAT-G. GRCh37 (hg19) VCF-style: chr5-112178460-GTAT-G.
Other names: c.7171_7173del, p.Ile2391del (NM_001127510.3, NM_001354895.2); c.7117_7119del, p.Ile2373del (NM_001127511.3); c.7225_7227del, p.Ile2409del (NM_001354896.2); c.7201_7203del, p.Ile2401del (NM_001354897.2); c.7096_7098del, p.Ile2366del (NM_001354898.2); c.7087_7089del, p.Ile2363del (NM_001354899.2); c.7048_7050del, p.Ile2350del (NM_001354900.2); c.6994_6996del, p.Ile2332del (NM_001354901.2); and 6 more; short protein forms I2332del, I2409del, I2108del, I2350del, I2366del, I2265del, I2300del, I2373del.
Identifiers: ClinVar variation 628507 (VCV000628507.16), dbSNP rs1561613295, ClinGen allele CA913188196.

ClinVar aggregate classification (germline): Uncertain significance. Review status: criteria provided, multiple submitters, no conflicts (2 of 4 stars). 5 submissions from 5 submitters: Uncertain significance (5). Last evaluated 2025-10-28.

Conditions:
Hereditary cancer-predisposing syndrome. Also called: Tumor predisposition; Neoplastic Syndromes, Hereditary; Hereditary Cancer Syndrome; Hereditary neoplastic syndrome. Identifiers: Orphanet 140162, MedGen C0027672, MeSH D009386, MONDO:0015356.
Familial adenomatous polyposis 1 (FAP1). Also called: FAMILIAL ADENOMATOUS POLYPOSIS 1, ATTENUATED; POLYPOSIS, ADENOMATOUS INTESTINAL. Identifiers: MedGen C2713442, MONDO:0021056, OMIM 175100. Disease mechanism: loss of function.
Classic or attenuated familial adenomatous polyposis. Identifiers: MedGen CN372698, MONDO:0021057.

Submissions (5):

Color Diagnostics, LLC DBA Color Health
Classification: Uncertain significance for Hereditary cancer-predisposing syndrome. Last evaluated: 2025-10-28. Review status: criteria provided, single submitter. Criteria: ACMG Guidelines, 2015. Collection method: clinical testing. Allele origin: germline.
Comment: This variant is causes the deletion of an isoleucine at codon 2391 of the APC protein. To our knowledge, functional studies have not been reported for this variant. This variant has not been reported in individuals affected with APC-related disorders in the literature. This variant has not been identified in the general population by the Genome Aggregation Database (gnomAD). The available evidence is insufficient to determine the role of this variant in disease conclusively. Therefore, this variant is classified as a Variant of Uncertain Significance.

Labcorp Genetics (formerly Invitae), Labcorp
Classification: Uncertain significance for Familial adenomatous polyposis 1. Last evaluated: 2025-05-25. Review status: criteria provided, single submitter. Criteria: Invitae Variant Classification Sherloc (09022015). Collection method: clinical testing. Allele origin: germline.
Comment: This variant, c.7171_7173del, results in the deletion of 1 amino acid(s) of the APC protein (p.Ile2391del), but otherwise preserves the integrity of the reading frame. This variant is not present in population databases (gnomAD no frequency). This variant has not been reported in the literature in individuals affected with APC-related conditions. ClinVar contains an entry for this variant (Variation ID: 628507). Experimental studies and prediction algorithms are not available or were not evaluated, and the functional significance of this variant is currently unknown. In summary, the available evidence is currently insufficient to determine the role of this variant in disease. Therefore, it has been classified as a Variant of Uncertain Significance.

All of Us Research Program, National Institutes of Health
Classification: Uncertain significance for Classic or attenuated familial adenomatous polyposis. Last evaluated: 2024-03-05. Review status: criteria provided, single submitter. Criteria: ACMG Guidelines, 2015. Collection method: clinical testing. Allele origin: germline. Inheritance: Autosomal dominant inheritance. Observed: 1 variant allele, 1 heterozygote.
Comment: This study involves interpretation of variants in research participants for the purpose of population health screening. Participant phenotype was not available at the time of variant classification. Additional details can be found in publication PMID: 35346344, PMCID: PMC8962531

Ambry Genetics
Classification: Uncertain significance for Hereditary cancer-predisposing syndrome. Last evaluated: 2023-11-21. Review status: criteria provided, single submitter. Criteria: Ambry Variant Classification Scheme 2023. Collection method: clinical testing. Allele origin: germline.
Comment: The c.7171_7173delATT variant (also known as p.I2391del) is located in coding exon 15 of the APC gene. This variant results from an in-frame deletion of 3 nucleotides at positions 7171 to 7173 and removes an isoleucine residue at codon 2391. This amino acid position is highly conserved in available vertebrate species. In addition, this alteration is predicted to be neutral by in silico analysis (Choi Y et al. PLoS ONE. 2012; 7(10):e46688). Since supporting evidence is limited at this time, the clinical significance of this alteration remains unclear.

Blueprint Genetics
Classification: Uncertain significance. Last evaluated: 2021-06-07. Review status: criteria provided, single submitter. Criteria: ACMG Guidelines, 2015. Collection method: clinical testing. Allele origin: germline.